The following is an entry in ClinVar:

NM_004187.5(KDM5C):c.2279T>C (p.Leu760Pro)

Gene: KDM5C (lysine demethylase 5C; minus strand). Cytogenetic location: Xp11.22.
Variant type: single nucleotide variant.
Coding change: c.2279T>C on transcript NM_004187.5 (MANE Select); coding-DNA position 2279, T replaced by C.
Protein change: p.Leu760Pro; replaces leucine 760 with proline.
Molecular consequence: missense variant. On other transcripts: non-coding transcript variant (3).
Genome position (GRCh38, 1-based): chrX:53,198,853, A>G on the plus strand (T>C on the coding strand, the complement: KDM5C is on the minus strand). VCF-style: chrX-53198853-A-G. GRCh37 (hg19) VCF-style: chrX-53228035-A-G.
Other names: c.2279T>C, p.Leu760Pro (NM_001353978.3, NM_001353981.2, NM_001353984.2); c.2276T>C, p.Leu759Pro (NM_001353979.2, NM_001353982.2, NM_001282622.3); c.2078T>C, p.Leu693Pro (NM_001146702.2); short protein forms L693P, L759P, L760P.
Identifiers: ClinVar variation 5018153 (VCV005018153.1).
Genomic context (GRCh38, chrX:53,198,853, plus strand): 5'-GCCACTCGCACTTTGTTGGCCCAGGTGTCAAAGGACTCAGCCCGAACCTTCAGCTTATGC[A>G]GCATGGCAGGAAGCTCATCCAAGGTATACCGATACCTGGAGGAAGAGGGCAGGCAAGAGC-3'
Protein context (NP_004178.2, residues 750-770): RYTLDELPAM[Leu760Pro]HKLKVRAESF

ClinVar aggregate classification (germline): Uncertain significance (1 of 4 stars; one submission).

Submission:

GeneDx
Classification: Uncertain significance. Last evaluated: 2026-04-02. Review status: criteria provided, single submitter. Criteria: GeneDx Variant Classification Process June 2021. Collection method: clinical testing. Allele origin: germline.
Comment: Not observed at significant frequency in large population cohorts (gnomAD); In silico analysis supports that this missense variant has a deleterious effect on protein structure/function; Has not been previously published as pathogenic or benign to our knowledge